The following is an entry in ClinVar:

NM_017617.5(NOTCH1):c.1113C>T (p.His371=)

Gene: NOTCH1 (notch receptor 1; minus strand). Cytogenetic location: 9q34.3.
Variant type: single nucleotide variant.
Coding change: c.1113C>T on transcript NM_017617.5 (MANE Select); coding-DNA position 1113, C replaced by T.
Protein change: p.His371=; no amino-acid change (histidine 371 retained).
Molecular consequence: synonymous variant.
Genome position (GRCh38, 1-based): chr9:136,518,279, G>A on the plus strand (C>T on the coding strand, the complement: NOTCH1 is on the minus strand). VCF-style: chr9-136518279-G-A. GRCh37 (hg19) VCF-style: chr9-139412731-G-A.
Identifiers: ClinVar variation 3046105 (VCV003046105.2), dbSNP rs2540461244, ClinGen allele CA467718955.

ClinVar aggregate classification (germline): Likely benign (0 of 4 stars; one submission).

Conditions:
NOTCH1-related disorder. Also called: NOTCH1-related condition; NOTCH1-related disorders.

Allele frequency attached by ClinVar (database versions not stated): gnomAD exomes 0.00001.
gnomAD v4.1: 4 of 1,610,766 alleles (0.00025%); highest among the groups gnomAD compares: Non-Finnish European, 0.00034%; no homozygotes.

Submission:

PreventionGenetics, part of Exact Sciences
Classification: Likely benign for NOTCH1-related condition. Last evaluated: 2023-09-21. Review status: no assertion criteria provided. Collection method: clinical testing. Allele origin: germline.
Comment: This variant is classified as likely benign based on ACMG/AMP sequence variant interpretation guidelines (Richards et al. 2015 PMID: 25741868, with internal and published modifications).